The following is an entry in ClinVar:

NM_054012.4(ASS1):c.578G>C (p.Gly193Ala)

Gene: ASS1 (argininosuccinate synthase 1; plus strand). Cytogenetic location: 9q34.11.
Variant type: single nucleotide variant.
Coding change: c.578G>C on transcript NM_054012.4 (MANE Select); coding-DNA position 578, G replaced by C.
Protein change: p.Gly193Ala; replaces glycine 193 with alanine.
Molecular consequence: missense variant.
Genome position (GRCh38, 1-based): chr9:130,471,496, G>C. VCF-style: chr9-130471496-G-C. GRCh37 (hg19) VCF-style: chr9-133346883-G-C.
Other names: c.578G>C, p.Gly193Ala (NM_000050.4); short protein forms G193A.
Identifiers: ClinVar variation 1062638 (VCV001062638.14), dbSNP rs2131887129, ClinGen allele CA375227485.

ClinVar aggregate classification (germline): Uncertain significance (1 of 4 stars; one submission).

Conditions:
Citrullinemia. Identifiers: Orphanet 187, MedGen C0175683, MONDO:0015991.

Allele frequency attached by ClinVar (database versions not stated): gnomAD exomes below 0.00001.
gnomAD v4.1: 1 of 1,614,108 alleles (0.000062%); highest among the groups gnomAD compares: African/African-American, 0.0013%; no homozygotes.

Submission:

Labcorp Genetics (formerly Invitae), Labcorp
Classification: Uncertain significance for Citrullinemia. Last evaluated: 2020-07-30. Review status: criteria provided, single submitter. Criteria: Invitae Variant Classification Sherloc (09022015). Collection method: clinical testing. Allele origin: germline.
Comment: This variant has not been reported in the literature in individuals with ASS1-related conditions. This variant is not present in population databases (ExAC no frequency). This sequence change replaces glycine with alanine at codon 193 of the ASS1 protein (p.Gly193Ala). The glycine residue is highly conserved and there is a small physicochemical difference between glycine and alanine. In summary, the available evidence is currently insufficient to determine the role of this variant in disease. Therefore, it has been classified as a Variant of Uncertain Significance. Algorithms developed to predict the effect of missense changes on protein structure and function are either unavailable or do not agree on the potential impact of this missense change (SIFT: "Deleterious"; PolyPhen-2: "Benign"; Align-GVGD: "Class C0").